The following is an entry in ClinVar:

ClinVar aggregate classification (germline): Uncertain significance. Review status: criteria provided, multiple submitters, no conflicts (2 of 4 stars). 2 submissions from 2 submitters: Uncertain significance (2). Last evaluated 2025-01-30.

Allele frequency attached by ClinVar (database versions not stated): gnomAD 0.00003 and 0.00004; gnomAD exomes 0.00003; TOPMed 0.00006.

Submissions (2):

GeneDx
Classification: Uncertain significance. Last evaluated: 2025-01-30. Review status: criteria provided, single submitter. Criteria: GeneDx Variant Classification Process June 2021. Collection method: clinical testing. Allele origin: germline. Affected: yes.
Comment: In silico analysis indicates that this missense variant does not alter protein structure/function; Has not been previously published as pathogenic or benign to our knowledge

Eurofins Ntd Llc (ga)
Classification: Uncertain significance. Last evaluated: 2016-07-15. Review status: criteria provided, single submitter. Criteria: EGL Classification Definitions 2015. Collection method: clinical testing. Allele origin: germline. Observed: 1 variant allele, 1 heterozygote.

NM_004817.4(TJP2):c.19C>T (p.Arg7Cys)

Gene: TJP2 (tight junction protein 2; plus strand). Cytogenetic location: 9q21.11.
Variant type: single nucleotide variant.
Coding change: c.19C>T on transcript NM_004817.4 (MANE Select); coding-DNA position 19, C replaced by T.
Protein change: p.Arg7Cys; replaces arginine 7 with cysteine.
Molecular consequence: missense variant. On other transcripts: intron variant (3).
Genome position (GRCh38, 1-based): chr9:69,174,391, C>T. VCF-style: chr9-69174391-C-T. GRCh37 (hg19) VCF-style: chr9-71789307-C-T.
Other names: c.19C>T, p.Arg7Cys (LRG_1201t1, NM_001369872.1, NM_001369873.1 and 1 more transcripts); c.-10+22620C>T (NM_001170414.2, NM_001369870.1); c.-127-10696C>T (NM_001369871.1); short protein forms R7C.
Identifiers: ClinVar variation 289540 (VCV000289540.8), dbSNP rs886044200, ClinGen allele CA10606474.